The following is an entry in ClinVar:

ClinVar aggregate classification (germline): Uncertain significance (1 of 4 stars; one submission).

Allele frequency attached by ClinVar (database versions not stated): gnomAD exomes below 0.00001; ExAC 0.00002.

Submission:

Labcorp Genetics (formerly Invitae), Labcorp
Classification: Uncertain significance. Last evaluated: 2025-09-16. Review status: criteria provided, single submitter. Criteria: Invitae Variant Classification Sherloc (09022015). Collection method: clinical testing. Allele origin: germline.
Comment: This sequence change replaces leucine, which is neutral and non-polar, with methionine, which is neutral and non-polar, at codon 547 of the CHM protein (p.Leu547Met). The frequency data for this variant in the population databases is considered unreliable, as metrics indicate poor data quality at this position in the gnomAD database. This variant has not been reported in the literature in individuals affected with CHM-related conditions. ClinVar contains an entry for this variant (Variation ID: 2920572). Invitae Evidence Modeling of protein sequence and biophysical properties (such as structural, functional, and spatial information, amino acid conservation, physicochemical variation, residue mobility, and thermodynamic stability) indicates that this missense variant is not expected to disrupt CHM protein function with a negative predictive value of 80%. In summary, the available evidence is currently insufficient to determine the role of this variant in disease. Therefore, it has been classified as a Variant of Uncertain Significance.

NM_000390.4(CHM):c.1639C>A (p.Leu547Met)

Gene: CHM (CHM Rab escort protein; minus strand). Cytogenetic location: Xq21.2.
Variant type: single nucleotide variant.
Coding change: c.1639C>A on transcript NM_000390.4 (MANE Select); coding-DNA position 1639, C replaced by A.
Protein change: p.Leu547Met; replaces leucine 547 with methionine.
Molecular consequence: missense variant.
Genome position (GRCh38, 1-based): chrX:85,873,183, G>T on the plus strand (C>A on the coding strand, the complement: CHM is on the minus strand). VCF-style: chrX-85873183-G-T. GRCh37 (hg19) VCF-style: chrX-85128188-G-T.
Other names: c.1195C>A, p.Leu399Met (NM_001320959.1, NM_001362517.1, NM_001362518.2 and 1 more transcripts); short protein forms L399M, L547M.
Identifiers: ClinVar variation 2920572 (VCV002920572.3), dbSNP rs373323172, ClinGen allele CA10465335.
Genomic context (GRCh38, chrX:85,873,183, plus strand): 5'-CATTATAACAGCTCCTGCTGATGTCTGACGAATCTCTCATATTGAAGTAAAGAGCCCACA[G>T]AATTCTTGGCTTTTCTACTTGTTCATTTTCTAAATATAGAAATAAATTTTATTTACATTC-3'
Protein context (NP_000381.1, residues 537-557): ENEQVEKPRI[Leu547Met]WALYFNMRDS